The following is an entry in ClinVar:

NM_001323289.2(CDKL5):c.530A>C (p.Tyr177Ser)

Gene: CDKL5 (cyclin dependent kinase like 5; plus strand). Cytogenetic location: Xp22.13.
Variant type: single nucleotide variant.
Coding change: c.530A>C on transcript NM_001323289.2 (MANE Select); coding-DNA position 530, A replaced by C.
Protein change: p.Tyr177Ser; replaces tyrosine 177 with serine.
Molecular consequence: missense variant.
Genome position (GRCh38, 1-based): chrX:18,584,329, A>C. VCF-style: chrX-18584329-A-C. GRCh37 (hg19) VCF-style: chrX-18602449-A-C.
Other names: NM_003159.3:c.530A>C; c.530A>C, p.Tyr177Ser (NM_001037343.2, NM_003159.3); short protein forms Y177S.
Identifiers: ClinVar variation 3602044 (VCV003602044.1).

ClinVar aggregate classification (germline): Uncertain significance (1 of 4 stars; one submission).

Conditions:
CDKL5 disorder. Identifiers: MedGen CN296942, MONDO:0100039.

Submission:

Centre for Population Genomics, CPG
Classification: Uncertain significance for CDKL5 disorder. Last evaluated: 2024-12-23. Review status: criteria provided, single submitter. Criteria: McKnight et al. (Hum Mutat. 2022). Collection method: curation. Allele origin: germline. Inheritance: X-linked inheritance.
Comment: This variant has been collected from RettBASE and curated to current modified ACMG/AMP criteria. Based on the classification scheme defined by the ClinGen Rett/Angelman-like Expert Panel for Rett/AS-like Disorders Specifications to the ACMG/AMP Variant Interpretation Guidelines VCEP 3.0, this variant is classified as variant of uncertain significance. At least the following criteria are met: This variant has been identified as a de novo occurrence in an individual with CDKL5 disorder without confirmation of paternity and maternity (PM6, PMID: 38874638). Computational prediction analysis tools suggests a deleterious impact (REVEL score>= 0.75) (PP3). This variant is absent from gnomAD (PM2_Supporting).